The following is an entry in ClinVar:

ClinVar aggregate classification (germline): Uncertain significance. Review status: criteria provided, multiple submitters, no conflicts (2 of 4 stars). 2 submissions from 2 submitters: Uncertain significance (2). Last evaluated 2026-05-06.

Conditions:
HOXA2-related disorder. Also called: HOXA2-related condition.
Inborn genetic diseases. Identifiers: MedGen C0950123, MeSH D030342.

Allele frequency attached by ClinVar (database versions not stated): gnomAD exomes below 0.00001; ExAC 0.00002; TOPMed 0.00002; gnomAD 0.00003.
gnomAD v4.1: 11 of 1,613,492 alleles (0.00068%); highest among the groups gnomAD compares: African/African-American, 0.0094%; no homozygotes.

Submissions (2):

PreventionGenetics, part of Exact Sciences
Classification: Uncertain significance for HOXA2-related condition. Last evaluated: 2026-05-06. Review status: criteria provided, single submitter. Criteria: ACMG Guidelines, 2015. Collection method: clinical testing. Allele origin: germline.
Comment: The HOXA2 c.166A>G variant is predicted to result in the amino acid substitution p.Ile56Val. To our knowledge, this variant has not been reported in the literature. This variant is reported in 0.0081% of alleles in individuals of African descent in gnomAD. At this time, the clinical significance of this variant is uncertain due to the absence of conclusive functional and genetic evidence.

Ambry Genetics
Classification: Uncertain significance for Inborn genetic diseases. Last evaluated: 2025-12-09. Review status: criteria provided, single submitter. Criteria: Ambry Variant Classification Scheme 2023. Collection method: clinical testing. Allele origin: germline.

NM_006735.4(HOXA2):c.166A>G (p.Ile56Val)

Gene: HOXA2 (homeobox A2; minus strand). Cytogenetic location: 7p15.2.
Variant type: single nucleotide variant.
Coding change: c.166A>G on transcript NM_006735.4 (MANE Select); coding-DNA position 166, A replaced by G.
Protein change: p.Ile56Val; replaces isoleucine 56 with valine.
Molecular consequence: missense variant.
Genome position (GRCh38, 1-based): chr7:27,102,335, T>C on the plus strand (A>G on the coding strand, the complement: HOXA2 is on the minus strand). VCF-style: chr7-27102335-T-C. GRCh37 (hg19) VCF-style: chr7-27141954-T-C.
Other names: short protein forms I56V.
Identifiers: ClinVar variation 3106559 (VCV003106559.3), dbSNP rs747264534, ClinGen allele CA4196299.